The following is an entry in ClinVar:

ClinVar aggregate classification (germline): Uncertain significance. Review status: criteria provided, multiple submitters, no conflicts (2 of 4 stars). 2 submissions from 2 submitters: Uncertain significance (2). Last evaluated 2025-10-01.

Submissions (2):

CeGaT Center for Human Genetics Tuebingen
Classification: Uncertain significance. Last evaluated: 2025-10-01. Review status: criteria provided, single submitter. Criteria: CeGaT Center For Human Genetics Tuebingen Variant Classification Criteria Version 2. Collection method: clinical testing. Allele origin: germline. Affected: yes. Observed: 1 variant allele.
Comment: DHX30: PM2

GeneDx
Classification: Uncertain significance. Last evaluated: 2024-12-23. Review status: criteria provided, single submitter. Criteria: GeneDx Variant Classification Process June 2021. Collection method: clinical testing. Allele origin: germline. Affected: yes.
Comment: Not observed at significant frequency in large population cohorts (gnomAD); In silico analysis supports that this missense variant has a deleterious effect on protein structure/function; Has not been previously published as pathogenic or benign to our knowledge

NM_138615.3(DHX30):c.1811G>A (p.Gly604Asp)

Gene: DHX30 (DExH-box helicase 30; plus strand). Cytogenetic location: 3p21.31.
Variant type: single nucleotide variant.
Coding change: c.1811G>A on transcript NM_138615.3 (MANE Select); coding-DNA position 1811, G replaced by A.
Protein change: p.Gly604Asp; replaces glycine 604 with aspartic acid.
Molecular consequence: missense variant.
Genome position (GRCh38, 1-based): chr3:47,846,883, G>A. VCF-style: chr3-47846883-G-A. GRCh37 (hg19) VCF-style: chr3-47888373-G-A.
Other names: c.1727G>A, p.Gly576Asp (NM_001330990.2); c.1694G>A, p.Gly565Asp (NM_014966.4); short protein forms G565D, G604D, G576D.
Identifiers: ClinVar variation 4055778 (VCV004055778.7).
Genomic context (GRCh38, chr3:47,846,883, plus strand): 5'-CCCTGCGGCTGGTGCTCATGAGTGCCACAGGGGACAATGAGCGCTTCTCCCGATACTTTG[G>A]TGGCTGCCCCGTCATCAAGGTGCCTGGCTTCATGTACCCAGTCAAGGAGCACTACCTAGA-3'
Protein context (NP_619520.1, residues 594-614): GDNERFSRYF[Gly604Asp]GCPVIKVPGF